The following is an entry in ClinVar:

ClinVar aggregate classification (germline): Benign (1 of 4 stars; one submission).

Allele frequency attached by ClinVar (database versions not stated): 1000 Genomes Project 30x 0.74126; TOPMed 0.74149; gnomAD 0.74867 and 0.76061; 1000 Genomes Project 0.75619.
gnomAD v4.1: 115,963 of 152,118 alleles (76%); highest among the groups gnomAD compares: East Asian, 98%; 48,504 homozygotes.

Submission:

GeneDx
Classification: Benign. Last evaluated: 2018-06-19. Review status: criteria provided, single submitter. Criteria: GeneDx Variant Classification (06012015). Collection method: clinical testing. Allele origin: germline. Affected: yes.
Comment: This variant is considered likely benign or benign based on one or more of the following criteria: it is a conservative change, it occurs at a poorly conserved position in the protein, it is predicted to be benign by multiple in silico algorithms, and/or has population frequency not consistent with disease.

NM_018136.5(ASPM):c.2488-299T>C

Gene: ASPM (assembly factor for spindle microtubules; minus strand). Cytogenetic location: 1q31.3.
Variant type: single nucleotide variant.
Coding change: c.2488-299T>C on transcript NM_018136.5 (MANE Select); 299 bases into the intron before coding-DNA position 2488, T replaced by C.
Molecular consequence: intron variant.
Genome position (GRCh38, 1-based): chr1:197,130,355, A>G on the plus strand (T>C on the coding strand, the complement: ASPM is on the minus strand). VCF-style: chr1-197130355-A-G. GRCh37 (hg19) VCF-style: chr1-197099485-A-G.
Other names: c.2488-299T>C (NM_001206846.2).
Identifiers: ClinVar variation 667998 (VCV000667998.1), dbSNP rs7541429, ClinGen allele CA16075654.